The following is an entry in ClinVar:

ClinVar aggregate classification (germline): Uncertain significance (1 of 4 stars; one submission).

Submission:

Greenwood Genetic Center Diagnostic Laboratories, Greenwood Genetic Center
Classification: Uncertain significance. Last evaluated: 2025-05-27. Review status: criteria provided, single submitter. Criteria: ACMG Guidelines, 2015. Collection method: clinical testing. Allele origin: germline. Affected: yes.
Comment: Gene of Uncertain Significance

NM_194247.4(HNRNPA3):c.409del (p.Thr137fs)

Gene: HNRNPA3 (heterogeneous nuclear ribonucleoprotein A3; plus strand). Cytogenetic location: 2q31.2.
Variant type: Deletion.
Coding change: c.409del on transcript NM_194247.4 (MANE Select); coding-DNA position 409, one base deleted (A; older notation c.409delA).
Protein change: p.Thr137fs; shifts the reading frame from threonine 137.
Molecular consequence: frameshift variant. On other transcripts: non-coding transcript variant (1).
Genome position (GRCh38, 1-based): chr2:177,216,044, A deleted. VCF-style (leftmost placement, unchanged base first): chr2-177216043-TA-T. GRCh37 (hg19) VCF-style: chr2-178080771-TA-T.
Other names: c.343del, p.Thr115fs (NM_001330247.2, NM_001330248.2, NM_001395170.1); c.409del, p.Thr137fs (NM_001330249.2, NM_001330250.2, NM_001330251.2); short protein forms T115fs, T137fs.
Identifiers: ClinVar variation 4538264 (VCV004538264.1).